The following is an entry in ClinVar:

NM_017780.4(CHD7):c.7647dup (p.Glu2550fs)

Gene: CHD7 (chromodomain helicase DNA binding protein 7; plus strand). Cytogenetic location: 8q12.2.
Variant type: Duplication.
Coding change: c.7647dup on transcript NM_017780.4 (MANE Select); coding-DNA position 7647, one base duplicated (A; older notation c.7647dupA).
Protein change: p.Glu2550fs; shifts the reading frame from glutamic acid 2550.
Molecular consequence: frameshift variant. On other transcripts: intron variant (1).
Genome position (GRCh38, 1-based): chr8:60,860,942, A duplicated. VCF-style (leftmost placement, unchanged base first): chr8-60860941-T-TA. GRCh37 (hg19) VCF-style: chr8-61773500-T-TA.
Other names: c.7647dup (LRG_176t1); c.1717-1287dup (NM_001316690.1); short protein forms E2550fs.
Identifiers: ClinVar variation 419372 (VCV000419372.2), dbSNP rs1554605972, ClinGen allele CA16618684.
Genomic context (GRCh38, chr8:60,860,941, plus strand): 5'-ATACCATTGTGAACTTTCTGCAGGAGGATGCTGAGGTGACCAAAGCTTTTGAAGAAGATA[T>TA]AGAGACCCCACCAACAAGAAACATTCCTTCTCCCGGACAGCTGGACCCAGACACACGGAT-3'

ClinVar aggregate classification (germline): Pathogenic (1 of 4 stars; one submission).

Submission:

GeneDx
Classification: Pathogenic. Last evaluated: 2015-08-13. Review status: criteria provided, single submitter. Criteria: GeneDx Variant Classification (06012015). Collection method: clinical testing. Allele origin: germline. Affected: yes.
Comment: The c.7647dupA duplication in the CHD7 gene causes a frameshift starting with codon Glutamic Acid 2550,changes this amino acid to an Arginine residue and creates a premature Stop codon at position 26 of thenew reading frame, denoted p.Glu2550ArgfsX26. This variant is predicted to cause loss of normal proteinfunction either through protein truncation or nonsense-mediated mRNA decay. Although this variant hasnot been previously reported to our knowledge, we consider it to be pathogenic.